The following is an entry in ClinVar:

ClinVar aggregate classification (germline): Uncertain significance (1 of 4 stars; one submission).

Conditions:
Inborn genetic diseases. Identifiers: MedGen C0950123, MeSH D030342.

gnomAD v4.1: 1 of 1,614,134 alleles (0.000062%); highest among the groups gnomAD compares: African/African-American, 0.0013%; no homozygotes.

Submission:

Ambry Genetics
Classification: Uncertain significance for Inborn genetic diseases. Last evaluated: 2026-07-05. Review status: criteria provided, single submitter. Criteria: Ambry Variant Classification Scheme 2023. Collection method: clinical testing. Allele origin: germline.
Comment: The p.D558Y variant (also known as c.1672G>T), located in coding exon 7 of the SH2B3 gene, results from a G to T substitution at nucleotide position 1672. The aspartic acid at codon 558 is replaced by tyrosine, an amino acid with highly dissimilar properties. This amino acid position is conserved. In addition, the in silico prediction for this alteration is inconclusive. Based on the available evidence, the clinical significance of this variant remains unclear.

NM_005475.3(SH2B3):c.1672G>T (p.Asp558Tyr)

Gene: SH2B3 (SH2B adaptor protein 3; plus strand). Cytogenetic location: 12q24.12.
Variant type: single nucleotide variant.
Coding change: c.1672G>T on transcript NM_005475.3 (MANE Select); coding-DNA position 1672, G replaced by T.
Protein change: p.Asp558Tyr; replaces aspartic acid 558 with tyrosine.
Molecular consequence: missense variant.
Genome position (GRCh38, 1-based): chr12:111,448,246, G>T. VCF-style: chr12-111448246-G-T. GRCh37 (hg19) VCF-style: chr12-111886050-G-T.
Other names: c.1066G>T, p.Asp356Tyr (NM_001291424.1); short protein forms D558Y, D356Y.
Identifiers: ClinVar variation 4630793 (VCV004630793.2).